The following is an entry in ClinVar:

ClinVar aggregate classification (germline): Likely benign (0 of 4 stars; one submission).

Conditions:
UBN2-related disorder. Also called: UBN2-related condition.

Allele frequency attached by ClinVar (database versions not stated): gnomAD exomes 0.00042; TOPMed 0.00017; gnomAD 0.00018; ExAC 0.00020; ESP Exome Variant Server 0.00024.
gnomAD v4.1: 609 of 1,570,480 alleles (0.039%); highest among the groups gnomAD compares: Non-Finnish European, 0.05%; no homozygotes.

Submission:

PreventionGenetics, part of Exact Sciences
Classification: Likely benign for UBN2-related condition. Last evaluated: 2019-09-05. Review status: no assertion criteria provided. Collection method: clinical testing. Allele origin: germline.
Comment: This variant is classified as likely benign based on ACMG/AMP sequence variant interpretation guidelines (Richards et al. 2015 PMID: 25741868, with internal and published modifications).

NM_173569.4(UBN2):c.385C>T (p.Leu129=)

Gene: UBN2 (ubinuclein 2; plus strand). Cytogenetic location: 7q34.
Variant type: single nucleotide variant.
Coding change: c.385C>T on transcript NM_173569.4 (MANE Select); coding-DNA position 385, C replaced by T.
Protein change: p.Leu129=; no amino-acid change (leucine 129 retained).
Molecular consequence: synonymous variant.
Genome position (GRCh38, 1-based): chr7:139,231,869, C>T. VCF-style: chr7-139231869-C-T. GRCh37 (hg19) VCF-style: chr7-138916615-C-T.
Identifiers: ClinVar variation 3053845 (VCV003053845.2), dbSNP rs371594475, ClinGen allele CA4508592.
Genomic context (GRCh38, chr7:139,231,869, plus strand): 5'-CCGCGGGAGTCGGCTTCCCGGGCTGAGCAGCCGCCGCGGCCGCCGAGGGAGACGGTGCGC[C>T]TGGAGCTGGTGCTTAAGGACCCCACCGACGAGAGCTGCGTGGAGTTCAGTTACCCGGAGC-3'
Protein context (NP_775840.3, residues 119-139): PPRPPRETVR[Leu129=]ELVLKDPTDE